The following is an entry in ClinVar:

ClinVar aggregate classification (germline): Likely benign (1 of 4 stars; one submission).

Submission:

CeGaT Center for Human Genetics Tuebingen
Classification: Likely benign. Last evaluated: 2026-01-01. Review status: criteria provided, single submitter. Criteria: CeGaT Center For Human Genetics Tuebingen Variant Classification Criteria Version 2. Collection method: clinical testing. Allele origin: germline. Affected: yes. Observed: 1 variant allele.
Comment: MED12: PM2:Supporting, BP4, BP7

NM_005120.3(MED12):c.6213G>A (p.Gln2071=)

Gene: MED12 (mediator complex subunit 12; plus strand). Cytogenetic location: Xq13.1.
Variant type: single nucleotide variant.
Coding change: c.6213G>A on transcript NM_005120.3 (MANE Select); coding-DNA position 6213, G replaced by A.
Protein change: p.Gln2071=; no amino-acid change (glutamine 2071 retained).
Molecular consequence: synonymous variant.
Genome position (GRCh38, 1-based): chrX:71,140,803, G>A. VCF-style: chrX-71140803-G-A. GRCh37 (hg19) VCF-style: chrX-70360653-G-A.
Identifiers: ClinVar variation 4820732 (VCV004820732.4).